The following is an entry in ClinVar:

ClinVar aggregate classification (germline): Uncertain significance. Review status: criteria provided, multiple submitters, no conflicts (2 of 4 stars). 2 submissions from 2 submitters: Uncertain significance (2). Last evaluated 2021-09-09.

Conditions:
Cardiovascular phenotype. Identifiers: MedGen CN230736.

Submissions (2):

Ambry Genetics
Classification: Uncertain significance for Cardiovascular phenotype. Last evaluated: 2021-09-09. Review status: criteria provided, single submitter. Criteria: Ambry Variant Classification Scheme 2023. Collection method: clinical testing. Allele origin: germline.
Comment: The c.61454_61456delAGA variant (also known as p.K20485del) is located in coding exon 159 of the TTN gene. This variant results from an in-frame AGA deletion at nucleotide positions 61454 to 61456. This results in the in-frame deletion of a lysine at codon 20485. This amino acid position is well conserved in available vertebrate species. In addition, this alteration is predicted to be deleterious by in silico analysis (Choi Y et al. PLoS ONE. 2012; 7(10):e46688). Since supporting evidence is limited at this time, the clinical significance of this alteration remains unclear.

Revvity Omics, Revvity
Classification: Uncertain significance. Last evaluated: 2019-10-27. Review status: criteria provided, single submitter. Criteria: ACMG Guidelines, 2015. Collection method: clinical testing. Allele origin: germline.

NM_001267550.2(TTN):c.88646AGA[1] (p.Lys29550del)

Genes: TTN (titin; minus strand), TTN-AS1 (TTN antisense RNA 1; plus strand). Cytogenetic location: 2q31.2.
Variant type: Microsatellite.
Coding change: c.88646AGA[1] on transcript NM_001267550.2 (MANE Select); one copy of the 3-base unit AGA starting at c.88646; the reference has two copies in a row; one copy, 3 bases deleted.
Protein change: p.Lys29550del; deletes lysine 29550.
Molecular consequence: inframe deletion.
Genome position (GRCh38, 1-based): chr2:178,554,696-178,554,698, TCT deleted on the plus strand (AGA on the coding strand, the reverse complement: TTN is on the minus strand); deleting any 3 consecutive bases within chr2:178,554,696-178,554,701 gives the same sequence; the position shown is the placement nearest the transcript's 3' end. VCF-style (leftmost placement, unchanged base first): chr2-178554695-ATCT-A. GRCh37 (hg19) VCF-style: chr2-179419422-ATCT-A.
Other names: c.80945_80947del (NM_133378.4); c.83723AGA[1], p.Lys27909del (NM_001256850.1); c.61451AGA[1], p.Lys20485del (NM_003319.4); c.80942AGA[1], p.Lys26982del (NM_133378.4); c.61826AGA[1], p.Lys20610del (NM_133432.3); c.62027AGA[1], p.Lys20677del (NM_133437.4); c.61454_61456delAGA (NM_003319.4); short protein forms K26982del, K29550del, K20677del, K20485del, K20610del, K27909del.
Identifiers: ClinVar variation 1751851 (VCV001751851.5), dbSNP rs1378235711, ClinGen allele CA349526030.